The following is an entry in ClinVar:

ClinVar aggregate classification (germline): Conflicting classifications of pathogenicity. Review status: criteria provided, conflicting classifications (1 of 4 stars). 4 submissions from 4 submitters: Uncertain significance (2); Likely benign (1). 1 of the submissions does not count toward it. Last evaluated 2023-10-25.

Conditions:
Hereditary cancer-predisposing syndrome. Also called: Hereditary Cancer Syndrome; Hereditary neoplastic syndrome; Neoplastic Syndromes, Hereditary; Tumor predisposition. Identifiers: Orphanet 140162, MedGen C0027672, MeSH D009386, MONDO:0015356.
Breast-ovarian cancer, familial, susceptibility to, 1 (BROVCA1). Also called: BRCA1 Hereditary Breast and Ovarian Cancer; OVARIAN CANCER, SUSCEPTIBILITY TO. Identifiers: Orphanet 145, MedGen C2676676, MONDO:0011450, OMIM 604370. Disease mechanism: loss of function.

Submissions (4):

Ambry Genetics
Classification: Uncertain significance for Hereditary cancer-predisposing syndrome. Last evaluated: 2023-10-25. Review status: criteria provided, single submitter. Criteria: Ambry Variant Classification Scheme 2023. Collection method: clinical testing. Allele origin: germline.
Comment: The p.P508L variant (also known as c.1523C>T), located in coding exon 9 of the BRCA1 gene, results from a C to T substitution at nucleotide position 1523. The proline at codon 508 is replaced by leucine, an amino acid with similar properties. This amino acid position is poorly conserved in available vertebrate species. In addition, the in silico prediction for this alteration is inconclusive. Since supporting evidence is limited at this time, the clinical significance of this alteration remains unclear.

All of Us Research Program, National Institutes of Health
Classification: Uncertain significance for Breast-ovarian cancer, familial, susceptibility to, 1. Last evaluated: 2023-04-03. Review status: criteria provided, single submitter. Criteria: ACMG Guidelines, 2015. Collection method: clinical testing. Allele origin: germline. Inheritance: Autosomal dominant inheritance. Observed: 1 variant allele, 1 heterozygote.
Comment: This missense variant replaces proline with leucine at codon 508 of the BRCA1 protein. Computational prediction is inconclusive regarding the impact of this variant on protein structure and function (internally defined REVEL score threshold 0.5 < inconclusive < 0.7, PMID: 27666373). To our knowledge, functional studies have not been reported for this variant. This variant has not been reported in individuals affected with BRCA1-related disorders in the literature. This variant has not been identified in the general population by the Genome Aggregation Database (gnomAD). The available evidence is insufficient to determine the role of this variant in disease conclusively. Therefore, this variant is classified as a Variant of Uncertain Significance.

This study involves interpretation of variants in research participants for the purpose of population health screening. Participant phenotype was not available at the time of variant classification. Additional details can be found in publication PMID: 35346344, PMCID: PMC8962531

University of Washington Department of Laboratory Medicine, University of Washington
Classification: Likely benign for Hereditary cancer-predisposing syndrome. Last evaluated: 2023-03-23. Review status: criteria provided, single submitter. Criteria: Dines et al. (Genet Med. 2020). Collection method: curation. Allele origin: germline.
Comment: Missense variant in a coldspot region where missense variants are very unlikely to be pathogenic (PMID:31911673).

BRCA1 coldspot (exon 11 using historical exon numbering). Reclassification based on statistical prior probability

Sharing Clinical Reports Project (SCRP)
Classification: Uncertain significance for Breast-ovarian cancer, familial 1. Last evaluated: 2009-07-09. Review status: no assertion criteria provided. Collection method: clinical testing. Allele origin: germline. Not counted in ClinVar's aggregate classification.

NM_007294.4(BRCA1):c.1523C>T (p.Pro508Leu)

Gene: BRCA1 (BRCA1 DNA repair associated; minus strand). Cytogenetic location: 17q21.31.
Variant type: single nucleotide variant.
Coding change: c.1523C>T on transcript NM_007294.4 (MANE Select); coding-DNA position 1523, C replaced by T.
Protein change: p.Pro508Leu; replaces proline 508 with leucine.
Molecular consequence: missense variant. On other transcripts: intron variant (137).
Genome position (GRCh38, 1-based): chr17:43,094,008, G>A on the plus strand (C>T on the coding strand, the complement: BRCA1 is on the minus strand). VCF-style: chr17-43094008-G-A. GRCh37 (hg19) VCF-style: chr17-41246025-G-A.
Other names: 1642C>T; c.1523C>T, p.Pro508Leu (NM_001407602.1, NM_001407603.1, NM_001407605.1 and 30 more transcripts); c.1520C>T, p.Pro507Leu (NM_001407610.1, NM_001407611.1, NM_001407612.1 and 22 more transcripts); c.1514C>T, p.Pro505Leu (NM_001407646.1, NM_001407647.1); c.1400C>T, p.Pro467Leu (NM_001407648.1, NM_001407667.1, NM_001407668.1 and 19 more transcripts); c.1397C>T, p.Pro466Leu (NM_001407649.1, NM_001407670.1, NM_001407671.1 and 11 more transcripts); c.1445C>T, p.Pro482Leu (NM_001407653.1, NM_001407654.1, NM_001407655.1 and 4 more transcripts); c.1382C>T, p.Pro461Leu (NM_001407692.1, NM_001407694.1, NM_001407695.1 and 29 more transcripts); and 41 more; short protein forms P508L, P461L, P419L, P438L, P467L, P481L, P212L, P340L.
Identifiers: ClinVar variation 91555 (VCV000091555.7), dbSNP rs398122637, ClinGen allele CA001028.